The following is an entry in ClinVar:

NM_201384.3(PLEC):c.12346C>G (p.Leu4116Val)

Gene: PLEC (plectin; minus strand). Cytogenetic location: 8q24.3.
Variant type: single nucleotide variant.
Coding change: c.12346C>G on transcript NM_201384.3 (MANE Select); coding-DNA position 12346, C replaced by G.
Protein change: p.Leu4116Val; replaces leucine 4116 with valine.
Molecular consequence: missense variant.
Genome position (GRCh38, 1-based): chr8:143,917,475, G>C on the plus strand (C>G on the coding strand, the complement: PLEC is on the minus strand). VCF-style: chr8-143917475-G-C. GRCh37 (hg19) VCF-style: chr8-144991643-G-C.
Other names: c.12427C>G, p.Leu4143Val (NM_000445.5); c.9046C>G, p.Leu3016Val (NM_001410941.1); c.12304C>G, p.Leu4102Val (NM_201378.4); c.12280C>G, p.Leu4094Val (NM_201379.3); c.12757C>G, p.Leu4253Val (NM_201380.4); c.12250C>G, p.Leu4084Val (NM_201381.3); c.12346C>G, p.Leu4116Val (NM_201382.4); c.12358C>G, p.Leu4120Val (NM_201383.3); short protein forms L3016V, L4120V, L4253V, L4094V, L4143V, L4084V, L4102V, L4116V.
Identifiers: ClinVar variation 4792459 (VCV004792459.1).
Genomic context (GRCh38, chr8:143,917,475, plus strand): 5'-CGGAGGACTTGGAGGACGTCTTCCGCTCCCGCTTCTTCTCCTTCAGCGGCAAGAGACACA[G>C]GCCCGTCTGGGGGTCAGTGATACAACGCTCCATCAGCTGCAGGTAGGTGAGGTTCTCCTC-3'
Protein context (NP_958786.1, residues 4106-4126): ERCITDPQTG[Leu4116Val]CLLPLKEKKR

ClinVar aggregate classification (germline): Uncertain significance (1 of 4 stars; one submission).

Conditions:
Epidermolysis bullosa simplex with nail dystrophy (EBS5D). Identifiers: MedGen C4225309, MONDO:0014661, OMIM 616487.
Epidermolysis bullosa simplex, Ogna type (EBS5A). Also called: EPIDERMOLYSIS BULLOSA SIMPLEX 5A, OGNA TYPE; Pidermolysis bullosa simplex 5A, Ogna type. Identifiers: Orphanet 79401, MedGen C0432317, MONDO:0007555, OMIM 131950.
Autosomal recessive limb-girdle muscular dystrophy type 2Q (LGMDR17). Also called: MUSCULAR DYSTROPHY, LIMB-GIRDLE, AUTOSOMAL RECESSIVE 17. Identifiers: Orphanet 254361, MedGen C3150989, MONDO:0013390, OMIM 613723.
Epidermolysis bullosa simplex 5B, with muscular dystrophy (EBS5B). Also called: EPIDERMOLYSIS BULLOSA SIMPLEX AND LIMB-GIRDLE MUSCULAR DYSTROPHY; Epidermolysis bullosa simplex with muscular dystrophy. Identifiers: Orphanet 257, MedGen C2931072, MONDO:0009181, OMIM 226670.
Epidermolysis bullosa simplex 5C, with pyloric atresia (EBS5C). Also called: PLEC-Related Epidermolysis Bullosa with Pyloric Atresia; Epidermolysis bullosa simplex with pyloric atresia; PLEC1-Related Epidermolysis Bullosa with Pyloric Atresia. Identifiers: Orphanet 158684, MedGen C2677349, MONDO:0012807, OMIM 612138.

Submission:

Labcorp Genetics (formerly Invitae), Labcorp
Classification: Uncertain significance for Autosomal recessive limb-girdle muscular dystrophy type 2Q; Epidermolysis bullosa simplex, Ogna type; Epidermolysis bullosa simplex with nail dystrophy; Epidermolysis bullosa simplex 5C, with pyloric atresia; Epidermolysis bullosa simplex 5B, with muscular dystrophy. Last evaluated: 2025-02-23. Review status: criteria provided, single submitter. Criteria: Invitae Variant Classification Sherloc (09022015). Collection method: clinical testing. Allele origin: germline.
Comment: This sequence change replaces leucine, which is neutral and non-polar, with valine, which is neutral and non-polar, at codon 4143 of the PLEC protein (p.Leu4143Val). This variant is not present in population databases (gnomAD no frequency). This variant has not been reported in the literature in individuals affected with PLEC-related conditions. Invitae Evidence Modeling of protein sequence and biophysical properties (such as structural, functional, and spatial information, amino acid conservation, physicochemical variation, residue mobility, and thermodynamic stability) has been performed for this missense variant. However, the output from this modeling did not meet the statistical confidence thresholds required to predict the impact of this variant on PLEC protein function. In summary, the available evidence is currently insufficient to determine the role of this variant in disease. Therefore, it has been classified as a Variant of Uncertain Significance.